The following is an entry in ClinVar:

NM_014908.4(DOLK):c.698G>A (p.Gly233Glu)

Gene: DOLK (dolichol kinase; minus strand). Cytogenetic location: 9q34.11.
Variant type: single nucleotide variant.
Coding change: c.698G>A on transcript NM_014908.4 (MANE Select); coding-DNA position 698, G replaced by A.
Protein change: p.Gly233Glu; replaces glycine 233 with glutamic acid.
Molecular consequence: missense variant.
Genome position (GRCh38, 1-based): chr9:128,946,606, C>T on the plus strand (G>A on the coding strand, the complement: DOLK is on the minus strand). VCF-style: chr9-128946606-C-T. GRCh37 (hg19) VCF-style: chr9-131708885-C-T.
Other names: short protein forms G233E.
Identifiers: ClinVar variation 1756462 (VCV001756462.2), dbSNP rs1198485403, ClinGen allele CA375123545.

ClinVar aggregate classification (germline): Uncertain significance (1 of 4 stars; one submission).

Conditions:
Cardiovascular phenotype. Identifiers: MedGen CN230736.

Submission:

Ambry Genetics
Classification: Uncertain significance for Cardiovascular phenotype. Last evaluated: 2022-08-07. Review status: criteria provided, single submitter. Criteria: Ambry Variant Classification Scheme 2023. Collection method: clinical testing. Allele origin: germline.
Comment: The p.G233E variant (also known as c.698G>A), located in coding exon 1 of the DOLK gene, results from a G to A substitution at nucleotide position 698. The glycine at codon 233 is replaced by glutamic acid, an amino acid with similar properties. This amino acid position is conserved. In addition, this alteration is predicted to be deleterious by in silico analysis. Since supporting evidence is limited at this time, the clinical significance of this alteration remains unclear.